The following is an entry in ClinVar:

ClinVar aggregate classification (germline): Conflicting classifications of pathogenicity. Review status: criteria provided, conflicting classifications (1 of 4 stars). 2 submissions from 2 submitters: Likely pathogenic (1); Uncertain significance (1). Last evaluated 2024-05-22.

Conditions:
Arrhythmogenic right ventricular dysplasia 8 (ARVD8). Also called: Arrhythmogenic Right Ventricular Dysplasia/Cardiomyopathy 8; ARRHYTHMOGENIC RIGHT VENTRICULAR DYSPLASIA, FAMILIAL, 8; ARRHYTHMOGENIC RIGHT VENTRICULAR CARDIOMYOPATHY 8. Identifiers: MedGen C1843896, MONDO:0011831, OMIM 607450.
Arrhythmogenic cardiomyopathy with wooly hair and keratoderma. Also called: Carvajal syndrome; PALMOPLANTAR KERATODERMA WITH LEFT VENTRICULAR CARDIOMYOPATHY AND WOOLLY HAIR; Dilated cardiomyopathy with woolly hair and keratoderma; Arrhythmogenic cardiomyopathy with woolly hair and keratoderma. Identifiers: Orphanet 65282, MedGen C1854063, MONDO:0011581, OMIM 605676.

Submissions (2):

Mayo Clinic Laboratories, Mayo Clinic
Classification: Likely pathogenic. Last evaluated: 2024-05-22. Review status: criteria provided, single submitter. Criteria: ACMG Guidelines, 2015. Collection method: clinical testing. Allele origin: germline. Observed: 1 variant allele.
Comment: PM2, PVS1

Labcorp Genetics (formerly Invitae), Labcorp
Classification: Uncertain significance for Arrhythmogenic cardiomyopathy with wooly hair and keratoderma; Arrhythmogenic right ventricular dysplasia 8. Last evaluated: 2022-07-26. Review status: criteria provided, single submitter. Criteria: Invitae Variant Classification Sherloc (09022015). Collection method: clinical testing. Allele origin: germline.
Comment: In summary, the available evidence is currently insufficient to determine the role of this variant in disease. Therefore, it has been classified as a Variant of Uncertain Significance. Variants that disrupt the consensus splice site are a relatively common cause of aberrant splicing (PMID: 17576681, 9536098). Algorithms developed to predict the effect of sequence changes on RNA splicing suggest that this variant may disrupt the consensus splice site. ClinVar contains an entry for this variant (Variation ID: 940791). This variant has not been reported in the literature in individuals affected with DSP-related conditions. This variant is not present in population databases (gnomAD no frequency). This sequence change affects an acceptor splice site in intron 23 of the DSP gene. While this variant is not anticipated to result in nonsense mediated decay, it likely alters RNA splicing and results in a disrupted protein product.

Literature cited by the submitters: PubMed 35008956 (cited by Mayo Clinic Laboratories, Mayo Clinic); PubMed 35819174 (cited by Mayo Clinic Laboratories, Mayo Clinic); PubMed 17576681 (cited by Labcorp Genetics (formerly Invitae), Labcorp); PubMed 9536098 (cited by Labcorp Genetics (formerly Invitae), Labcorp).

NM_004415.4(DSP):c.5380-1G>C

Gene: DSP (desmoplakin; plus strand). Cytogenetic location: 6p24.3.
Variant type: single nucleotide variant.
Coding change: c.5380-1G>C on transcript NM_004415.4 (MANE Select); the canonical splice acceptor site of the intron before coding-DNA position 5380, G replaced by C.
Molecular consequence: splice acceptor variant.
Genome position (GRCh38, 1-based): chr6:7,582,641, G>C. VCF-style: chr6-7582641-G-C. GRCh37 (hg19) VCF-style: chr6-7582874-G-C.
Other names: c.4051-1G>C (NM_001319034.2); c.3583-1G>C (NM_001008844.3).
Identifiers: ClinVar variation 940791 (VCV000940791.9), dbSNP rs1759474600, ClinGen allele CA362688492.